The following is an entry in ClinVar:

ClinVar aggregate classification (germline): Benign/Likely benign. Review status: criteria provided, multiple submitters, no conflicts (2 of 4 stars). 10 submissions from 7 submitters: Benign (8); Likely benign (2). Last evaluated 2026-03-30.

Conditions:
Ehlers-Danlos syndrome (EDS). Identifiers: Orphanet 98249, MedGen C0013720, MONDO:0020066.
Ehlers-Danlos syndrome, arthrochalasia type. Also called: ARTHROCHALASIS MULTIPLEX CONGENITA; EDS VII, MUTANT PROCOLLAGEN TYPE; EDS VIIA; Ehlers-Danlos syndrome, arthrochalasis type; Ehlers-Danlos syndrome, arthrochalasia type, 1. Identifiers: Orphanet 1899, Orphanet 99875, Orphanet 99876, MedGen C4551623, MONDO:0007525, OMIM 130060.
Osteogenesis imperfecta type I (OI1). Also called: OI, TYPE I; OSTEOGENESIS IMPERFECTA TARDA; OSTEOGENESIS IMPERFECTA WITH BLUE SCLERAE; Osteogenesis imperfecta type 1; Classic Non-deforming Osteogenesis Imperfecta with Blue Sclerae; Lobstein's Disease. Identifiers: Orphanet 216796, Orphanet 666, MedGen C0023931, MONDO:0008146, OMIM 166200. Disease mechanism: loss of function.
Osteogenesis imperfecta (OI). Identifiers: Orphanet 666, MedGen C0029434, MeSH D010013, MONDO:0019019.
Infantile cortical hyperostosis. Also called: Hyperostosis, Cortical, Congenital; P1PK BLOOD GROUP SYSTEM, P(2) PHENOTYPE; Caffey Disease. Identifiers: Orphanet 1310, MedGen C0020497, MONDO:0007244, OMIM 114000.

Allele frequency attached by ClinVar (database versions not stated): ESP Exome Variant Server 0.00015; gnomAD 0.00020 and 0.00052; TOPMed 0.00025; gnomAD exomes 0.00144; ExAC 0.00188; 1000 Genomes Project 30x 0.00297; 1000 Genomes Project 0.00300.
gnomAD v4.1: 1,237 of 1,607,996 alleles (0.077%); highest among the groups gnomAD compares: South Asian, 0.92%; 10 homozygotes.

Submissions (10):

Women's Health and Genetics/Laboratory Corporation of America, LabCorp
Classification: Benign. Last evaluated: 2026-03-30. Review status: criteria provided, single submitter. Criteria: LabCorp Variant Classification Summary - May 2015. Collection method: clinical testing. Allele origin: germline.

Molecular Diagnostic Laboratory for Inherited Cardiovascular Disease, Montreal Heart Institute
Classification: Benign. Last evaluated: 2026-03-27. Review status: criteria provided, single submitter. Criteria: ACMG Guidelines, 2015. Collection method: clinical testing. Allele origin: germline. Affected: no.

Labcorp Genetics (formerly Invitae), Labcorp
Classification: Benign for Osteogenesis imperfecta type I. Last evaluated: 2026-01-11. Review status: criteria provided, single submitter. Criteria: Invitae Variant Classification Sherloc (09022015). Collection method: clinical testing. Allele origin: germline.

Blueprint Genetics
Classification: Likely benign. Last evaluated: 2024-11-21. Review status: criteria provided, single submitter. Criteria: ACMG Guidelines, 2015. Collection method: clinical testing. Allele origin: germline.

Mayo Clinic Laboratories, Mayo Clinic
Classification: Benign. Last evaluated: 2023-05-03. Review status: criteria provided, single submitter. Criteria: ACMG Guidelines, 2015. Collection method: clinical testing. Allele origin: germline. Observed: 8 variant alleles.
Comment: BS1, BS2, BP4, BP7

Genome Diagnostics Laboratory, The Hospital for Sick Children
Classification: Benign for Ehlers-Danlos syndrome. Last evaluated: 2020-09-16. Review status: criteria provided, single submitter. Criteria: ACMG Guidelines, 2015. Collection method: clinical testing. Allele origin: germline.

Genome Diagnostics Laboratory, The Hospital for Sick Children
Classification: Benign for Osteogenesis imperfecta. Last evaluated: 2019-12-01. Review status: criteria provided, single submitter. Criteria: ACMG Guidelines, 2015. Collection method: clinical testing. Allele origin: germline.

Illumina Laboratory Services, Illumina
Classification: Benign for Osteogenesis imperfecta. Last evaluated: 2018-01-12. Review status: criteria provided, single submitter. Criteria: ICSL Variant Classification Criteria 13 December 2019. Collection method: clinical testing. Allele origin: germline.
Comment: This variant was observed in the ICSL laboratory as part of a predisposition screen in an ostensibly healthy population. It had not been previously curated by ICSL or reported in the Human Gene Mutation Database (HGMD: prior to June 1st, 2018), and was therefore a candidate for classification through an automated scoring system. Utilizing variant allele frequency, disease prevalence and penetrance estimates, and inheritance mode, an automated score was calculated to assess if this variant is too frequent to cause the disease. Based on the score and internal cut-off values, a variant classified as benign is not then subjected to further curation. The score for this variant resulted in a classification of benign for this disease.

Illumina Laboratory Services, Illumina
Classification: Benign for Ehlers-Danlos syndrome, arthrochalasia type. Last evaluated: 2018-01-12. Review status: criteria provided, single submitter. Criteria: ICSL Variant Classification Criteria 13 December 2019. Collection method: clinical testing. Allele origin: germline.
Comment: the same text as in the submission from Illumina Laboratory Services, Illumina above.

Illumina Laboratory Services, Illumina
Classification: Likely benign for Infantile cortical hyperostosis. Last evaluated: 2018-01-12. Review status: criteria provided, single submitter. Criteria: ICSL Variant Classification Criteria 13 December 2019. Collection method: clinical testing. Allele origin: germline.
Comment: This variant was observed in the ICSL laboratory as part of a predisposition screen in an ostensibly healthy population. It had not been previously curated by ICSL or reported in the Human Gene Mutation Database (HGMD: prior to June 1st, 2018), and was therefore a candidate for classification through an automated scoring system. Utilizing variant allele frequency, disease prevalence and penetrance estimates, and inheritance mode, an automated score was calculated to assess if this variant is too frequent to cause the disease. Based on the score and internal cut-off values, a variant classified as likely benign is not then subjected to further curation. The score for this variant resulted in a classification of likely benign for this disease.

NM_000088.4(COL1A1):c.957+10C>A

Gene: COL1A1 (collagen type I alpha 1 chain; minus strand). Cytogenetic location: 17q21.33.
Variant type: single nucleotide variant.
Coding change: c.957+10C>A on transcript NM_000088.4 (MANE Select); 10 bases into the intron after coding-DNA position 957, C replaced by A.
Molecular consequence: intron variant.
Genome position (GRCh38, 1-based): chr17:50,196,304, G>T on the plus strand (C>A on the coding strand, the complement: COL1A1 is on the minus strand). VCF-style: chr17-50196304-G-T. GRCh37 (hg19) VCF-style: chr17-48273665-G-T.
Other names: p.?.
Identifiers: ClinVar variation 703557 (VCV000703557.21), dbSNP rs376179885, ClinGen allele CA8645484.